The following is an entry in ClinVar:

ClinVar aggregate classification (germline): Pathogenic. Review status: criteria provided, multiple submitters, no conflicts (2 of 4 stars). 2 submissions from 2 submitters: Pathogenic (2). Last evaluated 2021-04-26.

Conditions:
Hereditary cancer-predisposing syndrome. Also called: Hereditary Cancer Syndrome; Neoplastic Syndromes, Hereditary; Hereditary neoplastic syndrome; Tumor predisposition. Identifiers: Orphanet 140162, MedGen C0027672, MeSH D009386, MONDO:0015356.
Cardiovascular phenotype. Identifiers: MedGen CN230736.

Submissions (2):

Ambry Genetics
Classification: Pathogenic for Cardiovascular phenotype; Hereditary cancer-predisposing syndrome. Last evaluated: 2021-04-26. Review status: criteria provided, single submitter. Criteria: Ambry Variant Classification Scheme 2023. Collection method: clinical testing. Allele origin: germline.
Comment: The c.319delA pathogenic mutation, located in coding exon 4 of the NF1 gene, results from a deletion of one nucleotide at nucleotide position 319, causing a translational frameshift with a predicted alternate stop codon (p.T107Rfs*58). This alteration is expected to result in loss of function by premature protein truncation or nonsense-mediated mRNA decay. As such, this alteration is interpreted as a disease-causing mutation.

GeneDx
Classification: Pathogenic. Last evaluated: 2019-10-03. Review status: criteria provided, single submitter. Criteria: GeneDx Variant Classification (06012015). Collection method: clinical testing. Allele origin: germline. Affected: yes.
Comment: Frameshift variant predicted to result in protein truncation or nonsense mediated decay in a gene for which loss-of-function is a known mechanism of disease; Not observed in large population cohorts (Lek 2016); Has not been previously published as a pathogenic or benign germline variant to our knowledge

NM_001042492.3(NF1):c.319del (p.Thr107fs)

Gene: NF1 (neurofibromin 1; plus strand). Cytogenetic location: 17q11.2.
Variant type: Deletion.
Coding change: c.319del on transcript NM_001042492.3 (MANE Select); coding-DNA position 319, one base deleted (A; older notation c.319delA).
Protein change: p.Thr107fs; shifts the reading frame from threonine 107.
Molecular consequence: frameshift variant.
Genome position (GRCh38, 1-based): chr17:31,163,216, A deleted; the last of 3 consecutive A bases (chr17:31,163,214-31,163,216); deleting any one gives the same sequence. VCF-style (leftmost placement, unchanged base first): chr17-31163213-GA-G. GRCh37 (hg19) VCF-style: chr17-29490231-GA-G.
Other names: c.319delA (NM_000267.3); c.319delA, p.Thr107Argfs (NM_000267.4); c.319del, p.Thr107fs (NM_001128147.3); short protein forms T107fs.
Identifiers: ClinVar variation 428996 (VCV000428996.6), dbSNP rs1131691116, ClinGen allele CA645369649.